The following is an entry in ClinVar:

ClinVar aggregate classification (germline): Uncertain significance (1 of 4 stars; one submission).

Conditions:
Spermatogenic failure 18. Identifiers: MedGen C4539783, MONDO:0054615, OMIM 617576.
Ciliary dyskinesia, primary, 37 (CILD37). Also called: CILIARY DYSKINESIA, PRIMARY, 37, WITH OR WITHOUT SITUS INVERSUS. Identifiers: MedGen C4539798, MONDO:0033204, OMIM 617577.

Allele frequency attached by ClinVar (database versions not stated): gnomAD 0.00001; gnomAD exomes 0.00002; ExAC 0.00001; TOPMed 0.00002.
gnomAD v4.1: 18 of 1,613,502 alleles (0.0011%); highest among the groups gnomAD compares: East Asian, 0.011%; no homozygotes.

Submission:

Labcorp Genetics (formerly Invitae), Labcorp
Classification: Uncertain significance for Ciliary dyskinesia, primary, 37; Spermatogenic failure 18. Last evaluated: 2024-10-25. Review status: criteria provided, single submitter. Criteria: Invitae Variant Classification Sherloc (09022015). Collection method: clinical testing. Allele origin: germline.
Comment: This sequence change replaces tyrosine, which is neutral and polar, with cysteine, which is neutral and slightly polar, at codon 3843 of the DNAH1 protein (p.Tyr3843Cys). This variant is present in population databases (rs776417515, gnomAD 0.01%). This variant has not been reported in the literature in individuals affected with DNAH1-related conditions. ClinVar contains an entry for this variant (Variation ID: 662637). Invitae Evidence Modeling of protein sequence and biophysical properties (such as structural, functional, and spatial information, amino acid conservation, physicochemical variation, residue mobility, and thermodynamic stability) indicates that this missense variant is expected to disrupt DNAH1 protein function with a positive predictive value of 80%. In summary, the available evidence is currently insufficient to determine the role of this variant in disease. Therefore, it has been classified as a Variant of Uncertain Significance.

NM_015512.5(DNAH1):c.11528A>G (p.Tyr3843Cys)

Gene: DNAH1 (dynein axonemal heavy chain 1; plus strand). Cytogenetic location: 3p21.1.
Variant type: single nucleotide variant.
Coding change: c.11528A>G on transcript NM_015512.5 (MANE Select); coding-DNA position 11528, A replaced by G.
Protein change: p.Tyr3843Cys; replaces tyrosine 3843 with cysteine.
Molecular consequence: missense variant.
Genome position (GRCh38, 1-based): chr3:52,396,715, A>G. VCF-style: chr3-52396715-A-G. GRCh37 (hg19) VCF-style: chr3-52430731-A-G.
Other names: short protein forms Y3843C.
Identifiers: ClinVar variation 662637 (VCV000662637.5), dbSNP rs776417515, ClinGen allele CA2436201.